The following is an entry in ClinVar:

ClinVar aggregate classification (germline): Pathogenic (1 of 4 stars; one submission).

Allele frequency attached by ClinVar (database versions not stated): TOPMed 0.00002.
gnomAD v4.1: 20 of 1,610,840 alleles (0.0012%); highest among the groups gnomAD compares: Admixed American, 0.0017%; no homozygotes.

Submission:

Labcorp Genetics (formerly Invitae), Labcorp
Classification: Pathogenic. Last evaluated: 2024-07-23. Review status: criteria provided, single submitter. Criteria: Invitae Variant Classification Sherloc (09022015). Collection method: clinical testing. Allele origin: germline.
Comment: This sequence change creates a premature translational stop signal (p.Arg1405*) in the MYO18B gene. It is expected to result in an absent or disrupted protein product. Loss-of-function variants in MYO18B are known to be pathogenic (PMID: 25748484, 32184166, 32637634). This variant is present in population databases (no rsID available, gnomAD 0.003%). This variant has not been reported in the literature in individuals affected with MYO18B-related conditions. ClinVar contains an entry for this variant (Variation ID: 2071937). For these reasons, this variant has been classified as Pathogenic.

Literature cited by the submitters: PubMed 25748484; PubMed 32184166; PubMed 32637634.

NM_032608.7(MYO18B):c.4213C>T (p.Arg1405Ter)

Gene: MYO18B (myosin XVIIIB; plus strand). Cytogenetic location: 22q12.1.
Variant type: single nucleotide variant.
Coding change: c.4213C>T on transcript NM_032608.7 (MANE Select); coding-DNA position 4213, C replaced by T.
Protein change: p.Arg1405Ter; replaces arginine 1405 with a stop codon.
Molecular consequence: nonsense.
Genome position (GRCh38, 1-based): chr22:25,876,321, C>T. VCF-style: chr22-25876321-C-T. GRCh37 (hg19) VCF-style: chr22-26272288-C-T.
Other names: c.4216C>T, p.Arg1406Ter (NM_001318245.2); short protein forms R1405*, R1406*.
Identifiers: ClinVar variation 2071937 (VCV002071937.4), dbSNP rs949998454, ClinGen allele CA322799493.